The following is an entry in ClinVar:

ClinVar aggregate classification (germline): Uncertain significance. Review status: criteria provided, multiple submitters, no conflicts (2 of 4 stars). 2 submissions from 2 submitters: Uncertain significance (2). Last evaluated 2023-07-18.

Allele frequency attached by ClinVar (database versions not stated): gnomAD exomes 0.00006; ESP Exome Variant Server 0.00015; 1000 Genomes Project 30x 0.00016; 1000 Genomes Project 0.00020.
gnomAD v4.1: 103 of 1,613,340 alleles (0.0064%); highest among the groups gnomAD compares: Admixed American, 0.023%; no homozygotes.

Submissions (2):

Labcorp Genetics (formerly Invitae), Labcorp
Classification: Uncertain significance. Last evaluated: 2023-07-18. Review status: criteria provided, single submitter. Criteria: Invitae Variant Classification Sherloc (09022015). Collection method: clinical testing. Allele origin: germline.
Comment: In summary, the available evidence is currently insufficient to determine the role of this variant in disease. Therefore, it has been classified as a Variant of Uncertain Significance. Advanced modeling of protein sequence and biophysical properties (such as structural, functional, and spatial information, amino acid conservation, physicochemical variation, residue mobility, and thermodynamic stability) performed at Invitae indicates that this missense variant is not expected to disrupt KANK1 protein function. ClinVar contains an entry for this variant (Variation ID: 1510898). This variant has not been reported in the literature in individuals affected with KANK1-related conditions. This variant is present in population databases (rs146139595, gnomAD 0.008%). This sequence change replaces serine, which is neutral and polar, with proline, which is neutral and non-polar, at codon 879 of the KANK1 protein (p.Ser879Pro).

Ambry Genetics
Classification: Uncertain significance. Last evaluated: 2022-12-19. Review status: criteria provided, single submitter. Criteria: Ambry Variant Classification Scheme 2023. Collection method: clinical testing. Allele origin: germline.

NM_015158.5(KANK1):c.2635T>C (p.Ser879Pro)

Gene: KANK1 (KN motif and ankyrin repeat domains 1; plus strand). Cytogenetic location: 9p24.3.
Variant type: single nucleotide variant.
Coding change: c.2635T>C on transcript NM_015158.5 (MANE Select); coding-DNA position 2635, T replaced by C.
Protein change: p.Ser879Pro; replaces serine 879 with proline.
Molecular consequence: missense variant. On other transcripts: non-coding transcript variant (1).
Genome position (GRCh38, 1-based): chr9:713,401, T>C. VCF-style: chr9-713401-T-C. GRCh37 (hg19) VCF-style: chr9-713401-T-C.
Other names: c.2635T>C (NM_015158.2); c.2635T>C, p.Ser879Pro (NM_001256876.3, NM_001256877.3, NM_001354331.2 and 2 more transcripts); c.2161T>C, p.Ser721Pro (NM_001354333.2, NM_001354335.2, NM_001354336.2 and 9 more transcripts); short protein forms S879P, S721P.
Identifiers: ClinVar variation 1510898 (VCV001510898.9), dbSNP rs146139595, ClinGen allele CA4960557.